The following is an entry in ClinVar:

ClinVar aggregate classification (germline): Uncertain significance. Review status: criteria provided, multiple submitters, no conflicts (2 of 4 stars). 4 submissions from 4 submitters: Uncertain significance (4). Last evaluated 2025-07-06.

Conditions:
Hereditary cancer-predisposing syndrome. Also called: Hereditary neoplastic syndrome; Neoplastic Syndromes, Hereditary; Tumor predisposition; Hereditary Cancer Syndrome. Identifiers: Orphanet 140162, MedGen C0027672, MeSH D009386, MONDO:0015356.
Lymphangiomyomatosis (LAM). Also called: Lymphangioleiomyomatosis; Lymphangioleiomyomatosis, somatic. Identifiers: Orphanet 538, MedGen C0751674, MONDO:0011705, OMIM 606690.
Isolated focal cortical dysplasia type II (FCORD2). Also called: Focal cortical dysplasia type II; CORTICAL DYSPLASIA OF TAYLOR. Identifiers: Orphanet 268994, MedGen C1846385, MONDO:0011818, OMIM 607341, HP:0032051.
Tuberous sclerosis 1 (TSC1). Identifiers: Orphanet 805, MedGen C1854465, MONDO:0008612, OMIM 191100.

Allele frequency attached by ClinVar (database versions not stated): TOPMed below 0.00001.

Submissions (4):

Labcorp Genetics (formerly Invitae), Labcorp
Classification: Uncertain significance for Tuberous sclerosis 1. Last evaluated: 2025-07-06. Review status: criteria provided, single submitter. Criteria: Invitae Variant Classification Sherloc (09022015). Collection method: clinical testing. Allele origin: germline.
Comment: This sequence change replaces serine, which is neutral and polar, with phenylalanine, which is neutral and non-polar, at codon 276 of the TSC1 protein (p.Ser276Phe). This variant is not present in population databases (gnomAD no frequency). This variant has not been reported in the literature in individuals affected with TSC1-related conditions. ClinVar contains an entry for this variant (Variation ID: 1008313). Invitae Evidence Modeling of protein sequence and biophysical properties (such as structural, functional, and spatial information, amino acid conservation, physicochemical variation, residue mobility, and thermodynamic stability) indicates that this missense variant is not expected to disrupt TSC1 protein function with a negative predictive value of 95%. In summary, the available evidence is currently insufficient to determine the role of this variant in disease. Therefore, it has been classified as a Variant of Uncertain Significance.

Ambry Genetics
Classification: Uncertain significance for Hereditary cancer-predisposing syndrome. Last evaluated: 2025-02-05. Review status: criteria provided, single submitter. Criteria: Ambry Variant Classification Scheme 2023. Collection method: clinical testing. Allele origin: germline.
Comment: The p.S276F variant (also known as c.827C>T), located in coding exon 7 of the TSC1 gene, results from a C to T substitution at nucleotide position 827. The serine at codon 276 is replaced by phenylalanine, an amino acid with highly dissimilar properties. This amino acid position is not well conserved in available vertebrate species. In addition, the in silico prediction for this alteration is inconclusive. Based on the available evidence, the clinical significance of this variant remains unclear.

Fulgent Genetics
Classification: Uncertain significance for Tuberous sclerosis 1; Lymphangiomyomatosis; Isolated focal cortical dysplasia type II. Last evaluated: 2024-02-29. Review status: criteria provided, single submitter. Criteria: ACMG Guidelines, 2015. Collection method: clinical testing. Allele origin: germline.

Sema4
Classification: Uncertain significance for Hereditary cancer-predisposing syndrome. Last evaluated: 2021-09-05. Review status: criteria provided, single submitter. Criteria: Sema4 Curation Guidelines. Collection method: curation. Allele origin: germline.
Comment: To the best of our knowledge, the TSC1 c.827C>T (p.S276F) variant has not been reported in individuals with TSC1-related disease. It was not observed in the large and broad cohorts of the Genome Aggregation Database (PMID: 32461654). The variant has been reported in ClinVar (Variation ID 1008313). In silico tools suggest the impact of the variant on protein function is deleterious though these predictions have not been confirmed by functional studies. The evidence is insufficient to meet ACMG/AMP criteria for classifying the variant as benign or pathogenic. Thus, the clinical significance of this variant is currently uncertain.

NM_000368.5(TSC1):c.827C>T (p.Ser276Phe)

Gene: TSC1 (TSC complex subunit 1; minus strand). Cytogenetic location: 9q34.13.
Variant type: single nucleotide variant.
Coding change: c.827C>T on transcript NM_000368.5 (MANE Select); coding-DNA position 827, C replaced by T.
Protein change: p.Ser276Phe; replaces serine 276 with phenylalanine.
Molecular consequence: missense variant.
Genome position (GRCh38, 1-based): chr9:132,912,368, G>A on the plus strand (C>T on the coding strand, the complement: TSC1 is on the minus strand). VCF-style: chr9-132912368-G-A. GRCh37 (hg19) VCF-style: chr9-135787755-G-A.
Other names: c.827C>T, p.Ser276Phe (NM_001162426.2); c.674C>T, p.Ser225Phe (NM_001162427.2); c.464C>T, p.Ser155Phe (NM_001362177.2); short protein forms S155F, S225F, S276F.
Identifiers: ClinVar variation 1008313 (VCV001008313.14), dbSNP rs1846012269, ClinGen allele CA375369348.